The following is an entry in ClinVar:

ClinVar aggregate classification (germline): Uncertain significance (1 of 4 stars; one submission).

Allele frequency attached by ClinVar (database versions not stated): gnomAD exomes below 0.00001; TOPMed 0.00001.

Submission:

Labcorp Genetics (formerly Invitae), Labcorp
Classification: Uncertain significance. Last evaluated: 2022-04-16. Review status: criteria provided, single submitter. Criteria: Invitae Variant Classification Sherloc (09022015). Collection method: clinical testing. Allele origin: germline.
Comment: This sequence change replaces leucine, which is neutral and non-polar, with serine, which is neutral and polar, at codon 74 of the TRMT10A protein (p.Leu74Ser). This variant is present in population databases (no rsID available, gnomAD 0.006%). This variant has not been reported in the literature in individuals affected with TRMT10A-related conditions. Algorithms developed to predict the effect of missense changes on protein structure and function are either unavailable or do not agree on the potential impact of this missense change (SIFT: "Tolerated"; PolyPhen-2: "Probably Damaging"; Align-GVGD: "Class C0"). In summary, the available evidence is currently insufficient to determine the role of this variant in disease. Therefore, it has been classified as a Variant of Uncertain Significance.

NM_001134665.3(TRMT10A):c.221T>C (p.Leu74Ser)

Gene: TRMT10A (tRNA methyltransferase 10A; minus strand). Cytogenetic location: 4q23.
Variant type: single nucleotide variant.
Coding change: c.221T>C on transcript NM_001134665.3 (MANE Select); coding-DNA position 221, T replaced by C.
Protein change: p.Leu74Ser; replaces leucine 74 with serine.
Molecular consequence: missense variant.
Genome position (GRCh38, 1-based): chr4:99,558,176, A>G on the plus strand (T>C on the coding strand, the complement: TRMT10A is on the minus strand). VCF-style: chr4-99558176-A-G. GRCh37 (hg19) VCF-style: chr4-100479333-A-G.
Other names: c.221T>C, p.Leu74Ser (NM_001134666.3, NM_001375880.1, NM_001375881.1 and 2 more transcripts); short protein forms L74S.
Identifiers: ClinVar variation 2420311 (VCV002420311.4), dbSNP rs1355279422, ClinGen allele CA357512603.